The following is an entry in ClinVar:

NM_022552.5(DNMT3A):c.1101A>C (p.Lys367Asn)

Gene: DNMT3A (DNA methyltransferase 3 alpha; minus strand). Cytogenetic location: 2p23.3.
Variant type: single nucleotide variant.
Coding change: c.1101A>C on transcript NM_022552.5 (MANE Select); coding-DNA position 1101, A replaced by C.
Protein change: p.Lys367Asn; replaces lysine 367 with asparagine.
Molecular consequence: missense variant. On other transcripts: non-coding transcript variant (1).
Genome position (GRCh38, 1-based): chr2:25,247,072, T>G on the plus strand (A>C on the coding strand, the complement: DNMT3A is on the minus strand). VCF-style: chr2-25247072-T-G. GRCh37 (hg19) VCF-style: chr2-25469941-T-G.
Other names: c.645A>C, p.Lys215Asn (NM_001320893.1); c.432A>C, p.Lys144Asn (NM_001375819.1); c.534A>C, p.Lys178Asn (NM_153759.3); c.1101A>C, p.Lys367Asn (NM_175629.2); short protein forms K144N, K215N, K178N, K367N.
Identifiers: ClinVar variation 4617785 (VCV004617785.1).
Genomic context (GRCh38, chr2:25,247,072, plus strand): 5'-TCTAGGCTCCTCCTCCGAGCTCCCAGCAGGGACACTCACCTGCAGGACCTCGTAGATGGC[T>G]TTGCGGTACATGGGCTGCTTGTTGTACGTGGCCTGGTGGAACGCACTGCAAAACGAGCTC-3'
Protein context (NP_072046.2, residues 357-377): ATYNKQPMYR[Lys367Asn]AIYEVLQVAS

ClinVar aggregate classification (germline): Uncertain significance (1 of 4 stars; one submission).

Conditions:
Inborn genetic diseases. Identifiers: MedGen C0950123, MeSH D030342.

Submission:

Ambry Genetics
Classification: Uncertain significance for Inborn genetic diseases. Last evaluated: 2025-12-02. Review status: criteria provided, single submitter. Criteria: Ambry Variant Classification Scheme 2023. Collection method: clinical testing. Allele origin: germline.
Comment: The p.K367N variant (also known as c.1101A>C), located in coding exon 8 of the DNMT3A gene, results from an A to C substitution at nucleotide position 1101. The lysine at codon 367 is replaced by asparagine, an amino acid with similar properties. This amino acid position is conserved. In addition, this alteration is predicted to be tolerated by in silico analysis. Based on the available evidence, the clinical significance of this variant remains unclear.